The following is an entry in ClinVar:

ClinVar aggregate classification (germline): Uncertain significance (1 of 4 stars; one submission).

Allele frequency attached by ClinVar (database versions not stated): gnomAD 0.00001; gnomAD exomes 0.00001.

Submission:

Labcorp Genetics (formerly Invitae), Labcorp
Classification: Uncertain significance. Last evaluated: 2021-10-27. Review status: criteria provided, single submitter. Criteria: Invitae Variant Classification Sherloc (09022015). Collection method: clinical testing. Allele origin: germline.
Comment: This sequence change replaces arginine, which is basic and polar, with cysteine, which is neutral and slightly polar, at codon 802 of the VPS11 protein (p.Arg802Cys). The frequency data for this variant in the population databases is considered unreliable, as metrics indicate poor data quality at this position in the gnomAD database. This variant has not been reported in the literature in individuals affected with VPS11-related conditions. Experimental studies and prediction algorithms are not available or were not evaluated, and the functional significance of this variant is currently unknown. In summary, the available evidence is currently insufficient to determine the role of this variant in disease. Therefore, it has been classified as a Variant of Uncertain Significance.

NM_021729.6(VPS11):c.2404C>T (p.Arg802Cys)

Gene: VPS11 (VPS11 core subunit of CORVET and HOPS complexes; plus strand). Cytogenetic location: 11q23.3.
Variant type: single nucleotide variant.
Coding change: c.2404C>T on transcript NM_021729.6 (MANE Select); coding-DNA position 2404, C replaced by T.
Protein change: p.Arg802Cys; replaces arginine 802 with cysteine.
Molecular consequence: missense variant. On other transcripts: non-coding transcript variant (8).
Genome position (GRCh38, 1-based): chr11:119,079,266, C>T. VCF-style: chr11-119079266-C-T. GRCh37 (hg19) VCF-style: chr11-118949976-C-T.
Other names: c.2374C>T, p.Arg792Cys (NM_001290185.2); c.2416C>T, p.Arg806Cys (NM_001378218.1, NM_001378219.1); c.2389C>T, p.Arg797Cys (NM_001378220.1); c.2386C>T, p.Arg796Cys (NM_001378221.1); short protein forms R806C, R792C, R797C, R796C, R802C.
Identifiers: ClinVar variation 1370701 (VCV001370701.3), dbSNP rs1238940562, ClinGen allele CA382979216.